The following is an entry in ClinVar:

NM_001145026.2(PTPRQ):c.*497G>C

Genes: PTPRQ (protein tyrosine phosphatase receptor type Q; plus strand), LOC124629420 (Sharpr-MPRA regulatory region 15034; plus strand). Cytogenetic location: 12q21.31.
Variant type: single nucleotide variant.
Coding change: c.*497G>C on transcript NM_001145026.2 (MANE Select); 497 bases downstream of the stop codon, G replaced by C.
Molecular consequence: 3 prime UTR variant.
Genome position (GRCh38, 1-based): chr12:80,679,520, G>C. VCF-style: chr12-80679520-G-C. GRCh37 (hg19) VCF-style: chr12-81073299-G-C.
Identifiers: ClinVar variation 4998263 (VCV004998263.1).

ClinVar aggregate classification (germline): Likely benign (1 of 4 stars; one submission).

Conditions:
PTPRQ-related disorder. Also called: PTPRQ-related condition.

Submission:

PreventionGenetics, part of Exact Sciences
Classification: Likely benign for PTPRQ-related condition. Last evaluated: 2025-09-02. Review status: criteria provided, single submitter. Criteria: ACMG Guidelines, 2015. Collection method: clinical testing. Allele origin: germline.
Comment: This variant is classified as likely benign based on ACMG/AMP sequence variant interpretation guidelines (Richards et al. 2015 PMID: 25741868, with internal and published modifications).